The following is an entry in ClinVar:

GRCh37/hg19 1q42.3-44(chr1:235500506-247179291)x1

Genes: ACTN2 (actinin alpha 2; plus strand), ADSS2 (adenylosuccinate synthase 2; minus strand), AHCTF1 (AT-hook containing transcription factor 1; minus strand), AKT3 (AKT serine/threonine kinase 3; minus strand), B3GALNT2 (beta-1,3-N-acetylgalactosaminyltransferase 2; minus strand) and 41 more. Cytogenetic location: 1q42.3-44.
Variant type: copy number loss.
Change: copy number 1 (one copy instead of two) of chr1:235,500,506-247,179,291 (11.68 Mb, GRCh37 coordinates, 1-based), cytogenetic band 1q42.3-44.
Identifiers: ClinVar variation 4850958 (VCV004850958.1).

ClinVar aggregate classification (germline): Pathogenic (1 of 4 stars; one submission).

Conditions:
Intellectual developmental disorder, autosomal dominant 22. Also called: Intellectual disability, autosomal dominant 22. Identifiers: MedGen CN029689, MONDO:0012869, OMIM 612337.

Submission:

Laboratory of Cytogenetics, Molecular Genetics and Reproductive Biology, Farhat Hached University Hospital
Classification: Pathogenic for Intellectual developmental disorder, autosomal dominant 22. Last evaluated: 2025-12-12. Review status: criteria provided, single submitter. Criteria: ACMG/ClinGen CNV Guidelines, 2019. Collection method: clinical testing. Allele origin: de novo. Inheritance: Autosomal dominant inheritance. Affected: yes.
Comment: Similar genomic alterations have been previously reported in affected individuals . Based on phenotypic overlap and available literature evidence, the variant was classified as Pathogenic. PMID: 26648835. The copy number variant was evaluated using ACMG/ClinGen CNV guidelines (PMID:31690835)

Literature cited by the submitters: PubMed 26648835.